The following is an entry in ClinVar:

ClinVar aggregate classification (germline): Uncertain significance. Review status: criteria provided, multiple submitters, no conflicts (2 of 4 stars). 2 submissions from 2 submitters: Uncertain significance (2). Last evaluated 2026-06-09.

Conditions:
Hereditary cancer-predisposing syndrome. Also called: Hereditary Cancer Syndrome; Hereditary neoplastic syndrome; Neoplastic Syndromes, Hereditary; Tumor predisposition. Identifiers: Orphanet 140162, MedGen C0027672, MeSH D009386, MONDO:0015356.

Submissions (2):

Ambry Genetics
Classification: Uncertain significance for Hereditary cancer-predisposing syndrome. Last evaluated: 2026-06-09. Review status: criteria provided, single submitter. Criteria: Ambry Variant Classification Scheme 2023. Collection method: clinical testing. Allele origin: germline.
Comment: The p.G354R variant (also known as c.1060G>A), located in coding exon 7 of the FH gene, results from a G to A substitution at nucleotide position 1060. The glycine at codon 354 is replaced by arginine, an amino acid with dissimilar properties. This amino acid position is highly conserved in available vertebrate species. In addition, this alteration is predicted to be deleterious by in silico analysis. Based on the available evidence, the clinical significance of this variant remains unclear.

Labcorp Genetics (formerly Invitae), Labcorp
Classification: Uncertain significance. Last evaluated: 2025-05-04. Review status: criteria provided, single submitter. Criteria: Invitae Variant Classification Sherloc (09022015). Collection method: clinical testing. Allele origin: germline.
Comment: This sequence change replaces glycine, which is neutral and non-polar, with arginine, which is basic and polar, at codon 354 of the FH protein (p.Gly354Arg). This variant is not present in population databases (gnomAD no frequency). This missense change has been observed in individual(s) with FH-related conditions (PMID: 34654685). ClinVar contains an entry for this variant (Variation ID: 3719056). Invitae Evidence Modeling of protein sequence and biophysical properties (such as structural, functional, and spatial information, amino acid conservation, physicochemical variation, residue mobility, and thermodynamic stability) indicates that this missense variant is expected to disrupt FH protein function with a positive predictive value of 95%. In summary, the available evidence is currently insufficient to determine the role of this variant in disease. Therefore, it has been classified as a Variant of Uncertain Significance.

Literature cited by the submitters: PubMed 34654685 (cited by Labcorp Genetics (formerly Invitae), Labcorp).

NM_000143.4(FH):c.1060G>A (p.Gly354Arg)

Gene: FH (fumarate hydratase; minus strand). Cytogenetic location: 1q43.
Variant type: single nucleotide variant.
Coding change: c.1060G>A on transcript NM_000143.4 (MANE Select); coding-DNA position 1060, G replaced by A.
Protein change: p.Gly354Arg; replaces glycine 354 with arginine.
Molecular consequence: missense variant.
Genome position (GRCh38, 1-based): chr1:241,504,090, C>T on the plus strand (G>A on the coding strand, the complement: FH is on the minus strand). VCF-style: chr1-241504090-C-T. GRCh37 (hg19) VCF-style: chr1-241667390-C-T.
Other names: short protein forms G354R.
Identifiers: ClinVar variation 3719056 (VCV003719056.3).